The following is an entry in ClinVar:

NM_004304.5(ALK):c.320G>C (p.Gly107Ala)

Gene: ALK (ALK receptor tyrosine kinase; minus strand). Cytogenetic location: 2p23.1.
Variant type: single nucleotide variant.
Coding change: c.320G>C on transcript NM_004304.5 (MANE Select); coding-DNA position 320, G replaced by C.
Protein change: p.Gly107Ala; replaces glycine 107 with alanine.
Molecular consequence: missense variant.
Genome position (GRCh38, 1-based): chr2:29,920,340, C>G on the plus strand (G>C on the coding strand, the complement: ALK is on the minus strand). VCF-style: chr2-29920340-C-G. GRCh37 (hg19) VCF-style: chr2-30143206-C-G.
Other names: short protein forms G107A.
Identifiers: ClinVar variation 1728918 (VCV001728918.2), dbSNP rs762635291, ClinGen allele CA346590268.
Genomic context (GRCh38, chr2:29,920,340, plus strand): 5'-AGCACCCTGGACAGCGTCCGGGCCTCTGCCGGGGCTGGTGAACCGGCGGTCCAGGAGACC[C>G]CCGGCGCCGGCCCCAGCAACCTGAGCAGCGGGGCGCAGTCCAGAGCTAGCGAGCCGCGGG-3'
Protein context (NP_004295.2, residues 97-117): PLLRLLGPAP[Gly107Ala]VSWTAGSPAP

ClinVar aggregate classification (germline): Uncertain significance (1 of 4 stars; one submission).

Conditions:
Hereditary cancer-predisposing syndrome. Also called: Tumor predisposition; Neoplastic Syndromes, Hereditary; Hereditary Cancer Syndrome; Hereditary neoplastic syndrome. Identifiers: Orphanet 140162, MedGen C0027672, MeSH D009386, MONDO:0015356.

Submission:

Ambry Genetics
Classification: Uncertain significance for Hereditary cancer-predisposing syndrome. Last evaluated: 2022-10-13. Review status: criteria provided, single submitter. Criteria: Ambry Variant Classification Scheme 2023. Collection method: clinical testing. Allele origin: germline.
Comment: The p.G107A variant (also known as c.320G>C), located in coding exon 1 of the ALK gene, results from a G to C substitution at nucleotide position 320. The glycine at codon 107 is replaced by alanine, an amino acid with similar properties. This amino acid position is conserved. In addition, this alteration is predicted to be tolerated by in silico analysis. Since supporting evidence is limited at this time, the clinical significance of this alteration remains unclear.